The following is an entry in ClinVar:

NM_031407.7(HUWE1):c.7900G>A (p.Ala2634Thr)

Gene: HUWE1 (HECT, UBA and WWE domain containing E3 ubiquitin protein ligase 1; minus strand). Cytogenetic location: Xp11.22.
Variant type: single nucleotide variant.
Coding change: c.7900G>A on transcript NM_031407.7 (MANE Select); coding-DNA position 7900, G replaced by A.
Protein change: p.Ala2634Thr; replaces alanine 2634 with threonine.
Molecular consequence: missense variant.
Genome position (GRCh38, 1-based): chrX:53,559,369, C>T on the plus strand (G>A on the coding strand, the complement: HUWE1 is on the minus strand). VCF-style: chrX-53559369-C-T. GRCh37 (hg19) VCF-style: chrX-53586330-C-T.
Other names: short protein forms A2634T.
Identifiers: ClinVar variation 2579096 (VCV002579096.25), dbSNP rs2523866475, ClinGen allele CA413153223.

ClinVar aggregate classification (germline): Uncertain significance (1 of 4 stars; one submission).

Submission:

CeGaT Center for Human Genetics Tuebingen
Classification: Uncertain significance. Last evaluated: 2023-07-01. Review status: criteria provided, single submitter. Criteria: CeGaT Center For Human Genetics Tuebingen Variant Classification Criteria Version 2. Collection method: clinical testing. Allele origin: germline. Affected: yes. Observed: 2 variant alleles.
Comment: HUWE1: PM2, PP2